The following is an entry in ClinVar:

ClinVar aggregate classification (germline): Likely benign (1 of 4 stars; one submission).

Allele frequency attached by ClinVar (database versions not stated): ExAC 0.00001; gnomAD exomes 0.00001; TOPMed 0.00001.

Submission:

GeneDx
Classification: Likely benign. Last evaluated: 2016-06-16. Review status: criteria provided, single submitter. Criteria: GeneDx Variant Classification (06012015). Collection method: clinical testing. Allele origin: germline. Affected: yes.
Comment: This variant is considered likely benign or benign based on one or more of the following criteria: it is a conservative change, it occurs at a poorly conserved position in the protein, it is predicted to be benign by multiple in silico algorithms, and/or has population frequency not consistent with disease.

NM_181882.3(PRX):c.27+13G>A

Gene: PRX (periaxin; minus strand). Cytogenetic location: 19q13.2.
Variant type: single nucleotide variant.
Coding change: c.27+13G>A on transcript NM_181882.3 (MANE Select); 13 bases into the intron after coding-DNA position 27, G replaced by A.
Molecular consequence: intron variant.
Genome position (GRCh38, 1-based): chr19:40,407,893, C>T on the plus strand (G>A on the coding strand, the complement: PRX is on the minus strand). VCF-style: chr19-40407893-C-T. GRCh37 (hg19) VCF-style: chr19-40913800-C-T.
Other names: c.27+13G>A (NM_020956.2).
Identifiers: ClinVar variation 386983 (VCV000386983.1), dbSNP rs780222566, ClinGen allele CA9444621.